The following is an entry in ClinVar:

ClinVar aggregate classification (germline): Likely benign. Review status: criteria provided, multiple submitters, no conflicts (2 of 4 stars). 2 submissions from 2 submitters: Likely benign (2). Last evaluated 2023-11-24.

Conditions:
Ehlers-Danlos syndrome, dermatosparaxis type. Also called: Dermatosparaxis; EDS VIIC; Ehlers-Danlos syndrome, type VII, autosomal recessive. Identifiers: Orphanet 1901, MedGen C2700425, MONDO:0009161, OMIM 225410.

Allele frequency attached by ClinVar (database versions not stated): gnomAD 0.00001; TOPMed 0.00002.
gnomAD v4.1: 2 of 1,610,806 alleles (0.00012%); highest among the groups gnomAD compares: Non-Finnish European, 0.00017%; no homozygotes.

Submissions (2):

Labcorp Genetics (formerly Invitae), Labcorp
Classification: Likely benign for Ehlers-Danlos syndrome, dermatosparaxis type. Last evaluated: 2023-11-24. Review status: criteria provided, single submitter. Criteria: Invitae Variant Classification Sherloc (09022015). Collection method: clinical testing. Allele origin: germline.

GeneDx
Classification: Likely benign. Last evaluated: 2018-01-25. Review status: criteria provided, single submitter. Criteria: GeneDx Variant Classification (06012015). Collection method: clinical testing. Allele origin: germline. Affected: yes.
Comment: This variant is considered likely benign or benign based on one or more of the following criteria: it is a conservative change, it occurs at a poorly conserved position in the protein, it is predicted to be benign by multiple in silico algorithms, and/or has population frequency not consistent with disease.

NM_014244.5(ADAMTS2):c.1479C>G (p.Arg493=)

Gene: ADAMTS2 (ADAM metallopeptidase with thrombospondin type 1 motif 2; minus strand). Cytogenetic location: 5q35.3.
Variant type: single nucleotide variant.
Coding change: c.1479C>G on transcript NM_014244.5 (MANE Select); coding-DNA position 1479, C replaced by G.
Protein change: p.Arg493=; no amino-acid change (arginine 493 retained).
Molecular consequence: synonymous variant.
Genome position (GRCh38, 1-based): chr5:179,153,527, G>C on the plus strand (C>G on the coding strand, the complement: ADAMTS2 is on the minus strand). VCF-style: chr5-179153527-G-C. GRCh37 (hg19) VCF-style: chr5-178580528-G-C.
Other names: c.1479C>G, p.Arg493= (NM_021599.4).
Identifiers: ClinVar variation 514739 (VCV000514739.4), dbSNP rs901870480, ClinGen allele CA133050265.